The following is an entry in ClinVar:

NM_000719.7(CACNA1C):c.6000dup (p.Gly2001fs)

Genes: CACNA1C (calcium voltage-gated channel subunit alpha1 C; plus strand), CACNA1C-AS1 (CACNA1C antisense RNA 1; minus strand). Cytogenetic location: 12p13.33.
Variant type: Duplication.
Coding change: c.6000dup on transcript NM_000719.7 (MANE Select); coding-DNA position 6000, one base duplicated (C; older notation c.6000dupC).
Protein change: p.Gly2001fs; shifts the reading frame from glycine 2001.
Molecular consequence: frameshift variant.
Genome position (GRCh38, 1-based): chr12:2,688,662, C duplicated; the last of 5 consecutive C bases (chr12:2,688,658-2,688,662); duplicating any one gives the same sequence. VCF-style (leftmost placement, unchanged base first): chr12-2688657-A-AC. GRCh37 (hg19) VCF-style: chr12-2797823-A-AC.
Other names: c.6144dup, p.Gly2049fs (NM_001129827.2); c.6123dup, p.Gly2042fs (NM_001129829.2); c.6105dup, p.Gly2036fs (NM_001129830.3, NM_001167624.3); c.6084dup, p.Gly2029fs (NM_001129831.2); c.6060dup, p.Gly2021fs (NM_001129832.2); c.6057dup, p.Gly2020fs (NM_001129833.2, NM_001129834.2, NM_001129835.2); c.6051dup, p.Gly2018fs (NM_001129836.2); c.6024dup, p.Gly2009fs (NM_001129837.2, NM_001129838.2); and 6 more; short protein forms G2049fs, G2036fs, G1990fs, G2020fs, G2021fs, G1998fs, G2001fs, G2042fs.
Identifiers: ClinVar variation 4720821 (VCV004720821.1).

ClinVar aggregate classification (germline): Uncertain significance (1 of 4 stars; one submission).

Conditions:
Long QT syndrome (LQTS). Identifiers: MedGen C0023976, MeSH D008133, MONDO:0002442. Disease mechanism: loss of function. Inheritance: Various modes of inheritance.

Submission:

Labcorp Genetics (formerly Invitae), Labcorp
Classification: Uncertain significance for Long QT syndrome. Last evaluated: 2026-01-15. Review status: criteria provided, single submitter. Criteria: Invitae Variant Classification Sherloc (09022015). Collection method: clinical testing. Allele origin: germline.
Comment: This sequence change creates a premature translational stop signal (p.Gly2001Argfs*125) in the CACNA1C gene. While this is not anticipated to result in nonsense mediated decay, it is expected to disrupt the last 138 amino acid(s) of the CACNA1C protein. This variant is not present in population databases (gnomAD no frequency). This variant has not been reported in the literature in individuals affected with CACNA1C-related conditions. In summary, the available evidence is currently insufficient to determine the role of this variant in disease. Therefore, it has been classified as a Variant of Uncertain Significance.